The following is an entry in ClinVar:

NM_001365276.2(TNXB):c.1480A>T (p.Thr494Ser)

Gene: TNXB (tenascin XB; minus strand). Cytogenetic location: 6p21.33.
Variant type: single nucleotide variant.
Coding change: c.1480A>T on transcript NM_001365276.2 (MANE Select); coding-DNA position 1480, A replaced by T.
Protein change: p.Thr494Ser; replaces threonine 494 with serine.
Molecular consequence: missense variant.
Genome position (GRCh38, 1-based): chr6:32,096,373, T>A on the plus strand (A>T on the coding strand, the complement: TNXB is on the minus strand). VCF-style: chr6-32096373-T-A. GRCh37 (hg19) VCF-style: chr6-32064150-T-A.
Other names: p.Thr494Ser; c.1480A>T, p.Thr494Ser (NM_019105.8); short protein forms T494S.
Identifiers: ClinVar variation 1201286 (VCV001201286.45), dbSNP rs770149701, ClinGen allele CA3735672.

ClinVar aggregate classification (germline): Conflicting classifications of pathogenicity. Review status: criteria provided, conflicting classifications (1 of 4 stars). 5 submissions from 5 submitters: Uncertain significance (4); Likely benign (1). Last evaluated 2026-03-09.

Conditions:
Cardiovascular phenotype. Identifiers: MedGen CN230736.
Ehlers-Danlos syndrome due to tenascin-X deficiency (EDSCLL1). Also called: TNX DEFICIENCY; EHLERS-DANLOS SYNDROME, CLASSIC-LIKE; Ehlers-Danlos syndrome, classic-like, 1; TNXB-Related Classical-Like Ehlers-Danlos Syndrome; EDS DUE TO TNX DEFICIENCY. Identifiers: Orphanet 230839, MedGen C1848029, MONDO:0011670, OMIM 606408.

Allele frequency attached by ClinVar (database versions not stated): gnomAD exomes 0.00006 and 0.00027; gnomAD 0.00014 and 0.00015.
gnomAD v4.1: 387 of 1,554,782 alleles (0.025%); highest among the groups gnomAD compares: Non-Finnish European, 0.032%; no homozygotes.

Submissions (5):

Women's Health and Genetics/Laboratory Corporation of America, LabCorp
Classification: Uncertain significance. Last evaluated: 2026-03-09. Review status: criteria provided, single submitter. Criteria: LabCorp Variant Classification Summary - May 2015. Collection method: clinical testing. Allele origin: germline.
Comment: Variant summary: TNXB c.1480A>T (p.Thr494Ser) results in a conservative amino acid change in the encoded protein sequence. Algorithms developed to predict the effect of missense changes on protein structure and function all suggest that this variant is likely to be tolerated. The variant allele was found at a frequency of 6.1e-05 in 163814 control chromosomes, predominantly at a frequency of 0.00014 within the Non-Finnish European subpopulation in the gnomAD database. This frequency is not significantly higher than estimated for disease-causing variants in TNXB, allowing no conclusion about variant significance. To our knowledge, no occurrence of c.1480A>T in individuals affected with TNXB-related conditions and no experimental evidence demonstrating its impact on protein function have been reported. ClinVar contains an entry for this variant (Variation ID: 1201286). Based on the evidence outlined above, the variant was classified as uncertain significance.

GeneDx
Classification: Uncertain significance. Last evaluated: 2025-09-04. Review status: criteria provided, single submitter. Criteria: GeneDx Variant Classification Process June 2021. Collection method: clinical testing. Allele origin: germline. Affected: yes.
Comment: In silico analysis suggests that this missense variant does not alter protein structure/function; Has not been previously published as pathogenic or benign to our knowledge

Mayo Clinic Laboratories, Mayo Clinic
Classification: Uncertain significance. Last evaluated: 2024-09-25. Review status: criteria provided, single submitter. Criteria: ACMG Guidelines, 2015. Collection method: clinical testing. Allele origin: germline. Observed: 1 variant allele.
Comment: BP4

Ambry Genetics
Classification: Likely benign for Cardiovascular phenotype. Last evaluated: 2024-01-29. Review status: criteria provided, single submitter. Criteria: Ambry Variant Classification Scheme 2023. Collection method: clinical testing. Allele origin: germline.

CeGaT Center for Human Genetics Tuebingen
Classification: Uncertain significance. Last evaluated: 2021-09-01. Review status: criteria provided, single submitter. Criteria: CeGaT Center For Human Genetics Tuebingen Variant Classification Criteria Version 2. Collection method: clinical testing. Allele origin: germline. Affected: yes. Observed: 1 variant allele.